The following is an entry in ClinVar:

ClinVar aggregate classification (germline): Uncertain significance (1 of 4 stars; one submission).

Conditions:
Cohen syndrome (COH1). Also called: Cutis verticis gyrata, retinitis pigmentosa, and sensorineural deafness; PEPPER SYNDROME. Identifiers: Orphanet 193, MedGen C0265223, MONDO:0008999, OMIM 216550.

Allele frequency attached by ClinVar (database versions not stated): gnomAD exomes below 0.00001.
gnomAD v4.1: 1 of 1,614,028 alleles (0.000062%); highest among the groups gnomAD compares: Admixed American, 0.0017%; no homozygotes.

Submission:

Labcorp Genetics (formerly Invitae), Labcorp
Classification: Uncertain significance for Cohen syndrome. Last evaluated: 2023-05-18. Review status: criteria provided, single submitter. Criteria: Invitae Variant Classification Sherloc (09022015). Collection method: clinical testing. Allele origin: germline.
Comment: In summary, the available evidence is currently insufficient to determine the role of this variant in disease. Therefore, it has been classified as a Variant of Uncertain Significance. Advanced modeling of protein sequence and biophysical properties (such as structural, functional, and spatial information, amino acid conservation, physicochemical variation, residue mobility, and thermodynamic stability) performed at Invitae indicates that this missense variant is not expected to disrupt VPS13B protein function. ClinVar contains an entry for this variant (Variation ID: 1345126). This variant has not been reported in the literature in individuals affected with VPS13B-related conditions. This variant is not present in population databases (gnomAD no frequency). This sequence change replaces valine with alanine at codon 2567 of the VPS13B protein (p.Val2567Ala). The valine residue is moderately conserved and there is a small physicochemical difference between valine and alanine.

NM_152564.5(VPS13B):c.7625T>C (p.Val2542Ala)

Gene: VPS13B (vacuolar protein sorting 13 homolog B; plus strand). Cytogenetic location: 8q22.2.
Variant type: single nucleotide variant.
Coding change: c.7625T>C on transcript NM_152564.5 (MANE Select); coding-DNA position 7625, T replaced by C.
Protein change: p.Val2542Ala; replaces valine 2542 with alanine.
Molecular consequence: missense variant.
Genome position (GRCh38, 1-based): chr8:99,778,877, T>C. VCF-style: chr8-99778877-T-C. GRCh37 (hg19) VCF-style: chr8-100791105-T-C.
Other names: c.7700T>C, p.Val2567Ala (NM_017890.5); short protein forms V2542A, V2567A.
Identifiers: ClinVar variation 1345126 (VCV001345126.6), dbSNP rs2130679096, ClinGen allele CA371876374.